The following is an entry in ClinVar:

NM_032119.4(ADGRV1):c.1497dup (p.Glu500fs)

Gene: ADGRV1 (adhesion G protein-coupled receptor V1; plus strand). Cytogenetic location: 5q14.3.
Variant type: Duplication.
Coding change: c.1497dup on transcript NM_032119.4 (MANE Select); coding-DNA position 1497, one base duplicated (C; older notation c.1497dupC).
Protein change: p.Glu500fs; shifts the reading frame from glutamic acid 500.
Molecular consequence: frameshift variant. On other transcripts: non-coding transcript variant (1).
Genome position (GRCh38, 1-based): chr5:90,628,820, C duplicated. VCF-style (leftmost placement, unchanged base first): chr5-90628819-G-GC. GRCh37 (hg19) VCF-style: chr5-89924636-G-GC.
Other names: short protein forms E500fs.
Identifiers: ClinVar variation 3724222 (VCV003724222.2).

ClinVar aggregate classification (germline): Pathogenic (1 of 4 stars; one submission).

Submission:

Labcorp Genetics (formerly Invitae), Labcorp
Classification: Pathogenic. Last evaluated: 2025-06-06. Review status: criteria provided, single submitter. Criteria: Invitae Variant Classification Sherloc (09022015). Collection method: clinical testing. Allele origin: germline.
Comment: This sequence change creates a premature translational stop signal (p.Glu500Argfs*12) in the ADGRV1 gene. It is expected to result in an absent or disrupted protein product. Loss-of-function variants in ADGRV1 are known to be pathogenic (PMID: 19357117, 22135276, 22147658, 26226137, 30718709, 31047384, 32467589). This variant is present in population databases (no rsID available, gnomAD 0.0009%). This variant has not been reported in the literature in individuals affected with ADGRV1-related conditions. ClinVar contains an entry for this variant (Variation ID: 3724222). For these reasons, this variant has been classified as Pathogenic.

Literature cited by the submitters: PubMed 19357117; PubMed 22135276; PubMed 22147658; PubMed 26226137; PubMed 30718709; PubMed 31047384; PubMed 32467589.